The following is an entry in ClinVar:

ClinVar aggregate classification (germline): Uncertain significance (1 of 4 stars; one submission).

Conditions:
Autosomal recessive limb-girdle muscular dystrophy type 2W (MDRCMTT). Also called: Muscular dystrophy, limb-girdle, type 2W; Muscular dystrophy, autosomal recessive, with cardiomyopathy and triangular tongue. Identifiers: MedGen C4225192, MONDO:0014788, OMIM 616827.

Allele frequency attached by ClinVar (database versions not stated): gnomAD exomes below 0.00001; TOPMed 0.00001.
gnomAD v4.1: 1 of 1,614,144 alleles (0.000062%); highest among the groups gnomAD compares: Non-Finnish European, 0.000085%; no homozygotes.

Submission:

Labcorp Genetics (formerly Invitae), Labcorp
Classification: Uncertain significance for Autosomal recessive limb-girdle muscular dystrophy type 2W. Last evaluated: 2023-08-30. Review status: criteria provided, single submitter. Criteria: Invitae Variant Classification Sherloc (09022015). Collection method: clinical testing. Allele origin: germline.
Comment: In summary, the available evidence is currently insufficient to determine the role of this variant in disease. Therefore, it has been classified as a Variant of Uncertain Significance. Advanced modeling of protein sequence and biophysical properties (such as structural, functional, and spatial information, amino acid conservation, physicochemical variation, residue mobility, and thermodynamic stability) performed at Invitae indicates that this missense variant is not expected to disrupt LIMS2 protein function. ClinVar contains an entry for this variant (Variation ID: 2153909). This variant has not been reported in the literature in individuals affected with LIMS2-related conditions. This variant is not present in population databases (gnomAD no frequency). This sequence change replaces methionine, which is neutral and non-polar, with valine, which is neutral and non-polar, at codon 113 of the LIMS2 protein (p.Met113Val).

NM_001161403.3(LIMS2):c.271A>G (p.Met91Val)

Gene: LIMS2 (LIM zinc finger domain containing 2; minus strand). Cytogenetic location: 2q14.3.
Variant type: single nucleotide variant.
Coding change: c.271A>G on transcript NM_001161403.3 (MANE Select); coding-DNA position 271, A replaced by G.
Protein change: p.Met91Val; replaces methionine 91 with valine.
Molecular consequence: missense variant.
Genome position (GRCh38, 1-based): chr2:127,654,512, T>C on the plus strand (A>G on the coding strand, the complement: LIMS2 is on the minus strand). VCF-style: chr2-127654512-T-C. GRCh37 (hg19) VCF-style: chr2-128412086-T-C.
Other names: c.337A>G, p.Met113Val (NM_001136037.4); c.256A>G, p.Met86Val (NM_001161404.2); c.343A>G, p.Met115Val (NM_017980.5); short protein forms M115V, M86V, M113V, M91V.
Identifiers: ClinVar variation 2153909 (VCV002153909.4), dbSNP rs1684111422, ClinGen allele CA348431475.
Genomic context (GRCh38, chr2:127,654,512, plus strand): 5'-CAGCCAGCTCCACATCACACAGCTCGCAGCGGAAGCAGCCCGGGTGCCAGTTGTTGTTCA[T>C]GGCCTTGATGACGCGGCCAATGATGAACTCACCTGGAAGAAGACAGGTCCCTGCTGGCTG-3'
Protein context (NP_001154875.1, residues 81-101): EFIIGRVIKA[Met91Val]NNNWHPGCFR